The following is an entry in ClinVar:

NM_017947.4(MOCOS):c.143-2A>T

Gene: MOCOS (molybdenum cofactor sulfurase; plus strand). Cytogenetic location: 18q12.2.
Variant type: single nucleotide variant.
Coding change: c.143-2A>T on transcript NM_017947.4 (MANE Select); the canonical splice acceptor site of the intron before coding-DNA position 143, A replaced by T.
Molecular consequence: splice acceptor variant.
Genome position (GRCh38, 1-based): chr18:36,195,255, A>T. VCF-style: chr18-36195255-A-T. GRCh37 (hg19) VCF-style: chr18-33775218-A-T.
Identifiers: ClinVar variation 3653926 (VCV003653926.2).

ClinVar aggregate classification (germline): Likely pathogenic (1 of 4 stars; one submission).

Conditions:
Xanthinuria type II. Also called: Xanthine dehydrogenase and aldehyde oxidase combined deficiency of; XDH and AOX dual deficiency. Identifiers: Orphanet 3467, Orphanet 93602, MedGen C1863688, MONDO:0011346, OMIM 603592.

Submission:

Labcorp Genetics (formerly Invitae), Labcorp
Classification: Likely pathogenic for Xanthinuria type II. Last evaluated: 2024-07-10. Review status: criteria provided, single submitter. Criteria: Invitae Variant Classification Sherloc (09022015). Collection method: clinical testing. Allele origin: germline.
Comment: This sequence change affects an acceptor splice site in intron 1 of the MOCOS gene. It is expected to disrupt RNA splicing. Variants that disrupt the donor or acceptor splice site typically lead to a loss of protein function (PMID: 16199547), and loss-of-function variants in MOCOS are known to be pathogenic (PMID: 11302742, 17368066). This variant is not present in population databases (gnomAD no frequency). This variant has not been reported in the literature in individuals affected with MOCOS-related conditions. Algorithms developed to predict the effect of sequence changes on RNA splicing suggest that this variant may disrupt the consensus splice site. In summary, the currently available evidence indicates that the variant is pathogenic, but additional data are needed to prove that conclusively. Therefore, this variant has been classified as Likely Pathogenic.

Literature cited by the submitters: PubMed 16199547; PubMed 11302742; PubMed 17368066.